The following is an entry in ClinVar:

ClinVar aggregate classification (germline): Likely benign. Review status: criteria provided, multiple submitters, no conflicts (2 of 4 stars). 2 submissions from 2 submitters: Likely benign (2). Last evaluated 2025-06-24.

Conditions:
Hereditary cancer-predisposing syndrome. Also called: Hereditary Cancer Syndrome; Hereditary neoplastic syndrome; Neoplastic Syndromes, Hereditary; Tumor predisposition. Identifiers: Orphanet 140162, MedGen C0027672, MeSH D009386, MONDO:0015356.

gnomAD v4.1: 1 of 1,612,704 alleles (0.000062%); highest among the groups gnomAD compares: Non-Finnish European, 0.000085%; no homozygotes.

Submissions (2):

Ambry Genetics
Classification: Likely benign for Hereditary cancer-predisposing syndrome. Last evaluated: 2025-06-24. Review status: criteria provided, single submitter. Criteria: Ambry Variant Classification Scheme 2023. Collection method: clinical testing. Allele origin: germline.

GeneDx
Classification: Likely benign. Last evaluated: 2016-08-11. Review status: criteria provided, single submitter. Criteria: GeneDx Variant Classification (06012015). Collection method: clinical testing. Allele origin: germline. Affected: yes.
Comment: This variant is considered likely benign or benign based on one or more of the following criteria: it is a conservative change, it occurs at a poorly conserved position in the protein, it is predicted to be benign by multiple in silico algorithms, and/or has population frequency not consistent with disease.

NM_000059.4(BRCA2):c.8979A>T (p.Ser2993=)

Gene: BRCA2 (BRCA2 DNA repair associated; plus strand). Cytogenetic location: 13q13.1.
Variant type: single nucleotide variant.
Coding change: c.8979A>T on transcript NM_000059.4 (MANE Select); coding-DNA position 8979, A replaced by T.
Protein change: p.Ser2993=; no amino-acid change (serine 2993 retained).
Molecular consequence: synonymous variant.
Genome position (GRCh38, 1-based): chr13:32,379,775, A>T. VCF-style: chr13-32379775-A-T. GRCh37 (hg19) VCF-style: chr13-32953912-A-T.
Identifiers: ClinVar variation 388512 (VCV000388512.2), dbSNP rs781452016, ClinGen allele CA16607498.